The following is an entry in ClinVar:

NM_002230.4(JUP):c.2174C>G (p.Pro725Arg)

Gene: JUP (junction plakoglobin; minus strand). Cytogenetic location: 17q21.2.
Variant type: single nucleotide variant.
Coding change: c.2174C>G on transcript NM_002230.4 (MANE Select); coding-DNA position 2174, C replaced by G.
Protein change: p.Pro725Arg; replaces proline 725 with arginine.
Molecular consequence: missense variant.
Genome position (GRCh38, 1-based): chr17:41,755,808, G>C on the plus strand (C>G on the coding strand, the complement: JUP is on the minus strand). VCF-style: chr17-41755808-G-C. GRCh37 (hg19) VCF-style: chr17-39912060-G-C.
Other names: c.2174C>G, p.Pro725Arg (NM_001352773.2, NM_001352774.2, NM_001352775.2 and 3 more transcripts); short protein forms P725R.
Identifiers: ClinVar variation 4785124 (VCV004785124.1).

ClinVar aggregate classification (germline): Uncertain significance (1 of 4 stars; one submission).

Conditions:
Arrhythmogenic right ventricular dysplasia 12. Also called: ARRHYTHMOGENIC RIGHT VENTRICULAR DYSPLASIA, FAMILIAL, 12. Identifiers: MedGen C1969081, MONDO:0012684, OMIM 611528.
Naxos disease (NXD). Also called: WOOLLY HAIR, PALMOPLANTAR KERATODERMA, AND CARDIAC ABNORMALITIES; KERATOSIS PALMOPLANTARIS WITH ARRHYTHMOGENIC CARDIOMYOPATHY; MAL DE NAXOS; PALMOPLANTAR KERATODERMA WITH ARRHYTHMOGENIC RIGHT VENTRICULAR CARDIOMYOPATHY AND WOOLLY HAIR; CARDIOMYOPATHY, ARRHYTHMOGENIC RIGHT VENTRICULAR, WITH SKIN, HAIR, AND NAIL ABNORMALITIES. Identifiers: Orphanet 34217, MedGen C1832600, MONDO:0011017, OMIM 601214.

Submission:

Labcorp Genetics (formerly Invitae), Labcorp
Classification: Uncertain significance for Arrhythmogenic right ventricular dysplasia 12; Naxos disease. Last evaluated: 2025-05-27. Review status: criteria provided, single submitter. Criteria: Invitae Variant Classification Sherloc (09022015). Collection method: clinical testing. Allele origin: germline.
Comment: This sequence change replaces proline, which is neutral and non-polar, with arginine, which is basic and polar, at codon 725 of the JUP protein (p.Pro725Arg). This variant is not present in population databases (gnomAD no frequency). This variant has not been reported in the literature in individuals affected with JUP-related conditions. An algorithm developed to predict the effect of missense changes on protein structure and function (PolyPhen-2) suggests that this variant is likely to be tolerated. In summary, the available evidence is currently insufficient to determine the role of this variant in disease. Therefore, it has been classified as a Variant of Uncertain Significance.